The following is an entry in ClinVar:

NM_005228.5(EGFR):c.530C>G (p.Ser177Trp)

Gene: EGFR (epidermal growth factor receptor; plus strand). Cytogenetic location: 7p11.2.
Variant type: single nucleotide variant.
Coding change: c.530C>G on transcript NM_005228.5 (MANE Select); coding-DNA position 530, C replaced by G.
Protein change: p.Ser177Trp; replaces serine 177 with tryptophan.
Molecular consequence: missense variant. On other transcripts: intron variant (3).
Genome position (GRCh38, 1-based): chr7:55,146,711, C>G. VCF-style: chr7-55146711-C-G. GRCh37 (hg19) VCF-style: chr7-55214404-C-G.
Other names: c.530C>G, p.Ser177Trp (NM_001346898.2, NM_201282.2, NM_201283.2 and 1 more transcripts); c.371C>G, p.Ser124Trp (NM_001346900.2); c.424+3223C>G (NM_001346899.2, NM_001346897.2); c.89-9119C>G (NM_001346941.2); short protein forms S124W, S177W.
Identifiers: ClinVar variation 4016770 (VCV004016770.1).

ClinVar aggregate classification (germline): Uncertain significance (1 of 4 stars; one submission).

Conditions:
Hereditary cancer-predisposing syndrome. Also called: Tumor predisposition; Hereditary neoplastic syndrome; Neoplastic Syndromes, Hereditary; Hereditary Cancer Syndrome. Identifiers: Orphanet 140162, MedGen C0027672, MeSH D009386, MONDO:0015356.

gnomAD v4.1: 1 of 1,614,106 alleles (0.000062%); no homozygotes.

Submission:

Ambry Genetics
Classification: Uncertain significance for Hereditary cancer-predisposing syndrome. Last evaluated: 2025-05-09. Review status: criteria provided, single submitter. Criteria: Ambry Variant Classification Scheme 2023. Collection method: clinical testing. Allele origin: germline.
Comment: The p.S177W variant (also known as c.530C>G), located in coding exon 4 of the EGFR gene, results from a C to G substitution at nucleotide position 530. The serine at codon 177 is replaced by tryptophan, an amino acid with highly dissimilar properties. This amino acid position is conserved. In addition, the in silico prediction for this alteration is inconclusive. Based on the available evidence, the clinical significance of this variant remains unclear.